The following is an entry in ClinVar:

ClinVar aggregate classification (germline): Likely pathogenic (1 of 4 stars; one submission).

Conditions:
Bloom syndrome (BLM). Also called: Bloom-Torre-Machacek syndrome. Identifiers: Orphanet 125, MedGen C0005859, MONDO:0008876, OMIM 210900.

Submission:

Natera, Inc.
Classification: Likely pathogenic for Bloom syndrome. Last evaluated: 2025-05-01. Review status: criteria provided, single submitter. Criteria: Natera Variant Classification Schema (03/2026). Collection method: clinical testing. Allele origin: germline.
Comment: The c.443del variant in BLM is a frameshift variant predicted to shift the reading frame and introduce a stop codon. This variant is expected to result in nonsense mediated decay, truncation, or a dysfunctional protein product. This variant is rare in the general population with a frequency below the threshold expected for the associated phenotype(s). Given the available evidence, this variant is classified as Likely Pathogenic.

NM_000057.4(BLM):c.443del (p.Ser147_Leu148insTer)

Gene: BLM (BLM RecQ like helicase; plus strand). Cytogenetic location: 15q26.1.
Variant type: Deletion.
Coding change: c.443del on transcript NM_000057.4 (MANE Select); coding-DNA position 443, one base deleted (T; older notation c.443delT).
Protein change: p.Ser147_Leu148insTer.
Molecular consequence: nonsense. On other transcripts: 5 prime UTR variant (1).
Genome position (GRCh38, 1-based): chr15:90,749,711, T deleted; the last of 3 consecutive T bases (chr15:90,749,709-90,749,711); deleting any one gives the same sequence. VCF-style (leftmost placement, unchanged base first): chr15-90749708-CT-C. GRCh37 (hg19) VCF-style: chr15-91292938-CT-C.
Other names: c.443del, p.Ser147_Leu148insTer (NM_001287246.2, NM_001287247.2); c.-849del (NM_001287248.2).
Identifiers: ClinVar variation 4815896 (VCV004815896.1).
Genomic context (GRCh38, chr15:90,749,708, plus strand): 5'-CTGTAAAGAAATCCCGGGATACTGCTCTCAAGAAATTAGAATTTAGTTCTTCACCAGATT[CT>C]TTAAGTACCATCAATGATTGGGATGATATGGATGACTTTGATACTTCTGAGACTTCAAAA-3'